The following is an entry in ClinVar:

ClinVar aggregate classification (germline): Uncertain significance (1 of 4 stars; one submission).

Allele frequency attached by ClinVar (database versions not stated): gnomAD exomes below 0.00001.
gnomAD v4.1: 1 of 1,613,820 alleles (0.000062%); highest among the groups gnomAD compares: Non-Finnish European, 0.000085%; no homozygotes.

Submission:

Labcorp Genetics (formerly Invitae), Labcorp
Classification: Uncertain significance. Last evaluated: 2021-04-10. Review status: criteria provided, single submitter. Criteria: Invitae Variant Classification Sherloc (09022015). Collection method: clinical testing. Allele origin: germline.
Comment: In summary, the available evidence is currently insufficient to determine the role of this variant in disease. Therefore, it has been classified as a Variant of Uncertain Significance. Experimental studies and prediction algorithms are not available or were not evaluated, and the functional significance of this variant is currently unknown. This variant has not been reported in the literature in individuals with HTT-related conditions. This variant is not present in population databases (ExAC no frequency). This sequence change replaces serine with glycine at codon 2029 of the HTT protein (p.Ser2029Gly). The serine residue is moderately conserved and there is a small physicochemical difference between serine and glycine.

NM_001388492.1(HTT):c.6079A>G (p.Ser2027Gly)

Gene: HTT (huntingtin; plus strand). Cytogenetic location: 4p16.3.
Variant type: single nucleotide variant.
Coding change: c.6079A>G on transcript NM_001388492.1 (MANE Select); coding-DNA position 6079, A replaced by G.
Protein change: p.Ser2027Gly; replaces serine 2027 with glycine.
Molecular consequence: missense variant.
Genome position (GRCh38, 1-based): chr4:3,207,284, A>G. VCF-style: chr4-3207284-A-G. GRCh37 (hg19) VCF-style: chr4-3209011-A-G.
Other names: c.6085A>G, p.Ser2029Gly (NM_002111.8); short protein forms S2027G, S2029G.
Identifiers: ClinVar variation 1420637 (VCV001420637.6), dbSNP rs2110270279, ClinGen allele CA356083711.